The following is an entry in ClinVar:

ClinVar aggregate classification (germline): Benign. Review status: criteria provided, single submitter (1 of 4 stars). 2 submissions from 2 submitters: Benign (1). 1 of the submissions does not count toward it. Last evaluated 2025-08-04.

Conditions:
SPTBN2-related disorder. Also called: SPTBN2-related condition.

Allele frequency attached by ClinVar (database versions not stated): gnomAD 0.00004; ExAC 0.00005; TOPMed 0.00007; ESP Exome Variant Server 0.00008.
gnomAD v4.1: 41 of 1,613,904 alleles (0.0025%); highest among the groups gnomAD compares: Middle Eastern, 0.016%; no homozygotes.

Submissions (2):

Labcorp Genetics (formerly Invitae), Labcorp
Classification: Benign. Last evaluated: 2025-08-04. Review status: criteria provided, single submitter. Criteria: Invitae Variant Classification Sherloc (09022015). Collection method: clinical testing. Allele origin: germline.

PreventionGenetics, part of Exact Sciences
Classification: Likely benign for SPTBN2-related condition. Last evaluated: 2019-06-19. Review status: no assertion criteria provided. Collection method: clinical testing. Allele origin: germline. Not counted in ClinVar's aggregate classification.
Comment: This variant is classified as likely benign based on ACMG/AMP sequence variant interpretation guidelines (Richards et al. 2015 PMID: 25741868, with internal and published modifications).

NM_006946.4(SPTBN2):c.2745C>T (p.Ala915=)

Gene: SPTBN2 (spectrin beta, non-erythrocytic 2; minus strand). Cytogenetic location: 11q13.2.
Variant type: single nucleotide variant.
Coding change: c.2745C>T on transcript NM_006946.4 (MANE Select); coding-DNA position 2745, C replaced by T.
Protein change: p.Ala915=; no amino-acid change (alanine 915 retained).
Molecular consequence: synonymous variant.
Genome position (GRCh38, 1-based): chr11:66,701,655, G>A on the plus strand (C>T on the coding strand, the complement: SPTBN2 is on the minus strand). VCF-style: chr11-66701655-G-A. GRCh37 (hg19) VCF-style: chr11-66469126-G-A.
Other names: c.2766C>T, p.Ala922= (NM_001411025.1); c.2745C>T (NM_006946.2).
Identifiers: ClinVar variation 2056973 (VCV002056973.5), dbSNP rs144636685, ClinGen allele CA6129025.